The following is an entry in ClinVar:

ClinVar aggregate classification (germline): Benign/Likely benign. Review status: criteria provided, multiple submitters, no conflicts (2 of 4 stars). 6 submissions from 6 submitters: Benign (2); Likely benign (2). 2 of the submissions do not count toward it. Last evaluated 2026-03-01.

Conditions:
ASXL3-related disorder. Also called: ASXL3-related condition. Identifiers: MedGen CN381524.

Allele frequency attached by ClinVar (database versions not stated): ESP Exome Variant Server 0.00201; 1000 Genomes Project 30x 0.00234; 1000 Genomes Project 0.00240.
gnomAD v4.1: 486 of 1,613,830 alleles (0.03%); highest among the groups gnomAD compares: African/African-American, 0.58%; 4 homozygotes.

Submissions (6):

CeGaT Center for Human Genetics Tuebingen
Classification: Likely benign. Last evaluated: 2026-03-01. Review status: criteria provided, single submitter. Criteria: CeGaT Center For Human Genetics Tuebingen Variant Classification Criteria Version 2. Collection method: clinical testing. Allele origin: germline. Affected: yes. Observed: 2 variant alleles.
Comment: ASXL3: BP4, BS1

Blueprint Genetics
Classification: Likely benign. Last evaluated: 2024-10-23. Review status: criteria provided, single submitter. Criteria: ACMG Guidelines, 2015. Collection method: clinical testing. Allele origin: germline.

GeneDx
Classification: Benign. Last evaluated: 2020-04-13. Review status: criteria provided, single submitter. Criteria: GeneDx Variant Classification Process June 2021. Collection method: clinical testing. Allele origin: germline. Affected: yes.

Breakthrough Genomics
Classification: Benign. Review status: criteria provided, single submitter. Criteria: ACMG Guidelines, 2015. Collection method: not provided. Allele origin: germline. Inheritance: Autosomal dominant inheritance. Affected: yes.

PreventionGenetics, part of Exact Sciences
Classification: Benign for ASXL3-related condition. Last evaluated: 2019-06-11. Review status: no assertion criteria provided. Collection method: clinical testing. Allele origin: germline. Not counted in ClinVar's aggregate classification.
Comment: This variant is classified as benign based on ACMG/AMP sequence variant interpretation guidelines (Richards et al. 2015 PMID: 25741868, with internal and published modifications).

Department of Pathology and Laboratory Medicine, Sinai Health System
Classification: Benign. Review status: no assertion criteria provided. Collection method: clinical testing. Allele origin: unknown. Affected: yes. Study: The Canadian Open Genetics Repository (COGR). Not counted in ClinVar's aggregate classification.
Comment: The ASXL3 p.Met860Lys variant was not identified in the literature nor was it identified in ClinVar or LOVD 3.0. The variant was identified in dbSNP (ID: rs61734121) and in control databases in 160 of 280362 chromosomes (1 homozygous) at a frequency of 0.0005707 increasing the likelihood this could be a low frequency benign variant (Genome Aggregation Database March 6, 2019, v2.1.1). The variant was observed in the following populations: African in 139 of 24190 chromosomes (freq: 0.005746), Latino in 15 of 35348 chromosomes (freq: 0.000424), Other in 1 of 7132 chromosomes (freq: 0.00014), South Asian in 1 of 30600 chromosomes (freq: 0.000033) and European (non-Finnish) in 4 of 128222 chromosomes (freq: 0.000031), but was not observed in the Ashkenazi Jewish, East Asian, or European (Finnish) populations. The p.Met860 residue is not conserved in mammals and computational analyses (PolyPhen-2, SIFT, AlignGVGD, BLOSUM, MutationTaster) provide inconsistent predictions regarding the impact to the protein; this information is not very predictive of pathogenicity. The variant occurs outside of the splicing consensus sequence and in silico or computational prediction software programs (SpliceSiteFinder, MaxEntScan, NNSPLICE, GeneSplicer) do not predict a difference in splicing. In summary, based on the above information this variant meets our laboratory's criteria to be classified as benign.

NM_030632.3(ASXL3):c.2579T>A (p.Met860Lys)

Gene: ASXL3 (ASXL transcriptional regulator 3; plus strand). Cytogenetic location: 18q12.1.
Variant type: single nucleotide variant.
Coding change: c.2579T>A on transcript NM_030632.3 (MANE Select); coding-DNA position 2579, T replaced by A.
Protein change: p.Met860Lys; replaces methionine 860 with lysine.
Molecular consequence: missense variant.
Genome position (GRCh38, 1-based): chr18:33,739,983, T>A. VCF-style: chr18-33739983-T-A. GRCh37 (hg19) VCF-style: chr18-31319947-T-A.
Other names: c.2579T>A (NM_030632.2); short protein forms M860K.
Identifiers: ClinVar variation 1050188 (VCV001050188.20), dbSNP rs61734121, ClinGen allele CA8933940.
Genomic context (GRCh38, chr18:33,739,983, plus strand): 5'-CACATGTTGACACTGAGAAGCCCTACCCTGCTTCAATTCCAGAACTTGCTTCTACTGAAA[T>A]GATAAAAGTTAAAAATCATAGCGTCCTGCAAAGAACAGAAAAAAAAGTGTTACCTTCACC-3'
Protein context (NP_085135.1, residues 850-870): ASIPELASTE[Met860Lys]IKVKNHSVLQ